The following is an entry in ClinVar:

ClinVar aggregate classification (germline): Benign/Likely benign. Review status: criteria provided, multiple submitters, no conflicts (2 of 4 stars). 7 submissions from 7 submitters: Benign (2); Likely benign (1). 4 of the submissions do not count toward it. Last evaluated 2025-02-16.

Conditions:
IRF2BPL-related disorder. Also called: IRF2BPL-related condition. Identifiers: MedGen CN381093.

Submissions (7):

Laboratory of Genetics, Children's Clinical University Hospital Latvia
Classification: Likely benign. Last evaluated: 2025-02-16. Review status: criteria provided, single submitter. Criteria: ACMG Guidelines, 2015. Collection method: clinical testing. Allele origin: germline. Affected: yes.

Mayo Clinic Laboratories, Mayo Clinic
Classification: Benign. Last evaluated: 2022-03-23. Review status: criteria provided, single submitter. Criteria: ACMG Guidelines, 2015. Collection method: clinical testing. Allele origin: germline. Observed: 20 variant alleles.

GeneDx
Classification: Benign. Last evaluated: 2020-06-08. Review status: criteria provided, single submitter. Criteria: GeneDx Variant Classification Process June 2021. Collection method: clinical testing. Allele origin: germline. Affected: yes.

PreventionGenetics, part of Exact Sciences
Classification: Benign for IRF2BPL-related condition. Last evaluated: 2019-08-12. Review status: no assertion criteria provided. Collection method: clinical testing. Allele origin: germline. Not counted in ClinVar's aggregate classification.
Comment: This variant is classified as benign based on ACMG/AMP sequence variant interpretation guidelines (Richards et al. 2015 PMID: 25741868, with internal and published modifications).

Clinical Genetics DNA and cytogenetics Diagnostics Lab, Erasmus MC, Erasmus Medical Center
Classification: Benign. Review status: no assertion criteria provided. Collection method: clinical testing. Allele origin: germline. Affected: yes. Study: VKGL Data-share Consensus. Not counted in ClinVar's aggregate classification.

Diagnostic Laboratory, Department of Genetics, University Medical Center Groningen
Classification: Benign. Review status: no assertion criteria provided. Collection method: clinical testing. Allele origin: germline. Affected: yes. Study: VKGL Data-share Consensus. Not counted in ClinVar's aggregate classification.

Genome Diagnostics Laboratory, University Medical Center Utrecht
Classification: Likely benign. Review status: no assertion criteria provided. Collection method: clinical testing. Allele origin: germline. Affected: yes. Study: VKGL Data-share Consensus. Not counted in ClinVar's aggregate classification.

NM_024496.4(IRF2BPL):c.462CGC[8] (p.Ala164del)

Gene: IRF2BPL (interferon regulatory factor 2 binding protein like; minus strand). Cytogenetic location: 14q24.3.
Variant type: Microsatellite.
Coding change: c.462CGC[8] on transcript NM_024496.4 (MANE Select); eight copies in a row of the 3-base unit CGC starting at c.462; the reference has nine copies in a row; one copy, 3 bases deleted; also written c.486_488del.
Protein change: p.Ala164del; deletes alanine 164.
Molecular consequence: inframe deletion.
Genome position (GRCh38, 1-based): chr14:77,027,305-77,027,307, GCG deleted on the plus strand (CGC on the coding strand, the reverse complement: IRF2BPL is on the minus strand); deleting any 3 consecutive bases within chr14:77,027,305-77,027,333 gives the same sequence; the position shown is the placement nearest the transcript's 3' end. VCF-style (leftmost placement, unchanged base first): chr14-77027304-AGCG-A. GRCh37 (hg19) VCF-style: chr14-77493647-AGCG-A.
Other names: p.Ala164del; c.486_488delCGC (NM_024496.3); c.486_488del (NM_024496.4); short protein forms A164del.
Identifiers: ClinVar variation 1174972 (VCV001174972.10), dbSNP rs371633333, ClinGen allele CA7283938.
Genomic context (GRCh38, chr14:77,027,304, plus strand): 5'-GCTGCTTCCCAGGCTCACCGGCGGTGGCGGGTACTCGAAGCGGCTGCGCTGTTCCACCGC[AGCG>A]GCGGCGGCGGCGGCGGCGGCGGCGGCAGCGCTTAGGCCGTAGCGCTCCAGGCCAGACGGG-3'